The following is an entry in ClinVar:

NM_006431.3(CCT2):c.967C>G (p.Leu323Val)

Gene: CCT2 (chaperonin containing TCP1 subunit 2; plus strand). Cytogenetic location: 12q15.
Variant type: single nucleotide variant.
Coding change: c.967C>G on transcript NM_006431.3 (MANE Select); coding-DNA position 967, C replaced by G.
Protein change: p.Leu323Val; replaces leucine 323 with valine.
Molecular consequence: missense variant.
Genome position (GRCh38, 1-based): chr12:69,593,598, C>G. VCF-style: chr12-69593598-C-G. GRCh37 (hg19) VCF-style: chr12-69987378-C-G.
Other names: c.826C>G, p.Leu276Val (NM_001198842.2); short protein forms L276V, L323V.
Identifiers: ClinVar variation 2795260 (VCV002795260.3), dbSNP rs896552766, ClinGen allele CA239119520.

ClinVar aggregate classification (germline): Uncertain significance (1 of 4 stars; one submission).

Submission:

Labcorp Genetics (formerly Invitae), Labcorp
Classification: Uncertain significance. Last evaluated: 2025-07-07. Review status: criteria provided, single submitter. Criteria: Invitae Variant Classification Sherloc (09022015). Collection method: clinical testing. Allele origin: germline.
Comment: This sequence change replaces leucine, which is neutral and non-polar, with valine, which is neutral and non-polar, at codon 323 of the CCT2 protein (p.Leu323Val). This variant is not present in population databases (gnomAD no frequency). This variant has not been reported in the literature in individuals affected with CCT2-related conditions. ClinVar contains an entry for this variant (Variation ID: 2795260). An algorithm developed to predict the effect of missense changes on protein structure and function (PolyPhen-2) suggests that this variant is likely to be disruptive. In summary, the available evidence is currently insufficient to determine the role of this variant in disease. Therefore, it has been classified as a Variant of Uncertain Significance.